The following is an entry in ClinVar:

ClinVar aggregate classification (germline): Uncertain significance (1 of 4 stars; one submission).

Conditions:
Very long chain acyl-CoA dehydrogenase deficiency (ACADVLD). Also called: VLCAD Deficiency; Very Long-Chain Acyl-Coenzyme A Dehydrogenase Deficiency. Identifiers: Orphanet 26793, MedGen C3887523, MONDO:0008723, OMIM 201475.

Submission:

Labcorp Genetics (formerly Invitae), Labcorp
Classification: Uncertain significance for Very long chain acyl-CoA dehydrogenase deficiency. Last evaluated: 2022-04-22. Review status: criteria provided, single submitter. Criteria: Invitae Variant Classification Sherloc (09022015). Collection method: clinical testing. Allele origin: germline.
Comment: Variants that disrupt the consensus splice site are a relatively common cause of aberrant splicing (PMID: 17576681, 9536098). Algorithms developed to predict the effect of sequence changes on RNA splicing suggest that this variant may disrupt the consensus splice site. In summary, the available evidence is currently insufficient to determine the role of this variant in disease. Therefore, it has been classified as a Variant of Uncertain Significance. Algorithms developed to predict the effect of missense changes on protein structure and function (SIFT, PolyPhen-2, Align-GVGD) all suggest that this variant is likely to be tolerated. This variant has not been reported in the literature in individuals affected with ACADVL-related conditions. This variant is not present in population databases (gnomAD no frequency). This sequence change replaces valine, which is neutral and non-polar, with leucine, which is neutral and non-polar, at codon 93 of the ACADVL protein (p.Val93Leu). This variant also falls at the last nucleotide of exon 4, which is part of the consensus splice site for this exon.

Literature cited by the submitters: PubMed 17576681; PubMed 9536098.

NM_000018.4(ACADVL):c.277G>C (p.Val93Leu)

Gene: ACADVL (acyl-CoA dehydrogenase very long chain; plus strand). Cytogenetic location: 17p13.1.
Variant type: single nucleotide variant.
Coding change: c.277G>C on transcript NM_000018.4 (MANE Select); coding-DNA position 277, G replaced by C.
Protein change: p.Val93Leu; replaces valine 93 with leucine.
Molecular consequence: missense variant.
Genome position (GRCh38, 1-based): chr17:7,220,676, G>C. VCF-style: chr17-7220676-G-C. GRCh37 (hg19) VCF-style: chr17-7123995-G-C.
Other names: c.211G>C, p.Val71Leu (NM_001033859.3); c.346G>C, p.Val116Leu (NM_001270447.2); c.49G>C, p.Val17Leu (NM_001270448.2); short protein forms V116L, V93L, V17L, V71L.
Identifiers: ClinVar variation 1975331 (VCV001975331.5), dbSNP rs768632138, ClinGen allele CA397722478.